The following is an entry in ClinVar:

ClinVar aggregate classification (germline): Pathogenic (1 of 4 stars; one submission).

Conditions:
Fetal anomalies with a likely genetic cause.

Submission:

Genetics Laboratory, Great Ormond Street Hospital NHS Foundation Trust, North Thames Genomic Laboratory Hub
Classification: Pathogenic for Fetal anomalies with a likely genetic cause. Last evaluated: 2026-09-24. Review status: criteria provided, single submitter. Criteria: ACGS Best Practice Guidelines for Variant Classification in Rare Disease 2024 v1.2. Collection method: clinical testing. Allele origin: germline. Affected: yes.
Comment: PM2_moderate, PVS1_very-strong

NM_015466.4(PTPN23):c.2250del (p.Asp751fs)

Gene: PTPN23 (protein tyrosine phosphatase non-receptor type 23; plus strand). Cytogenetic location: 3p21.31.
Variant type: Deletion.
Coding change: c.2250del on transcript NM_015466.4 (MANE Select); coding-DNA position 2250, one base deleted (T; older notation c.2250delT).
Protein change: p.Asp751fs; shifts the reading frame from aspartic acid 751.
Molecular consequence: frameshift variant.
Genome position (GRCh38, 1-based): chr3:47,410,048, T deleted. VCF-style (leftmost placement, unchanged base first): chr3-47410047-CT-C. GRCh37 (hg19) VCF-style: chr3-47451537-CT-C.
Other names: c.1872del, p.Asp625fs (NM_001304482.2); short protein forms D625fs, D751fs.
Identifiers: ClinVar variation 5043493 (VCV005043493.1).